The following is an entry in ClinVar:

NM_033028.5(BBS4):c.1185T>G (p.Tyr395Ter)

Gene: BBS4 (Bardet-Biedl syndrome 4; plus strand). Cytogenetic location: 15q24.1.
Variant type: single nucleotide variant.
Coding change: c.1185T>G on transcript NM_033028.5 (MANE Select); coding-DNA position 1185, T replaced by G.
Protein change: p.Tyr395Ter; replaces tyrosine 395 with a stop codon.
Molecular consequence: nonsense. On other transcripts: non-coding transcript variant (2).
Genome position (GRCh38, 1-based): chr15:72,735,903, T>G. VCF-style: chr15-72735903-T-G. GRCh37 (hg19) VCF-style: chr15-73028244-T-G.
Other names: c.669T>G, p.Tyr223Ter (NM_001252678.2); c.1116T>G, p.Tyr372Ter (NM_001320665.2); short protein forms Y395*, Y223*, Y372*.
Identifiers: ClinVar variation 3647901 (VCV003647901.2).
Genomic context (GRCh38, chr15:72,735,903, plus strand): 5'-CCTGAACTATGCTGTGCTGCTGTACAACCAGGGCGAGAAGAAGAACGCCCTGGCCCAATA[T>G]CAGGAGATGGAGAAGAAAGTCAGCCTACTCAAGGACAATAGCTCTCTGGAATTTGACTCT-3'

ClinVar aggregate classification (germline): Pathogenic (1 of 4 stars; one submission).

Conditions:
Bardet-Biedl syndrome (BBS). Identifiers: Orphanet 110, MedGen C0752166, MONDO:0015229.

Submission:

Labcorp Genetics (formerly Invitae), Labcorp
Classification: Pathogenic for Bardet-Biedl syndrome. Last evaluated: 2024-08-19. Review status: criteria provided, single submitter. Criteria: Invitae Variant Classification Sherloc (09022015). Collection method: clinical testing. Allele origin: germline.
Comment: This sequence change creates a premature translational stop signal (p.Tyr395*) in the BBS4 gene. It is expected to result in an absent or disrupted protein product. Loss-of-function variants in BBS4 are known to be pathogenic (PMID: 11381270, 12016587, 20177705, 27894351). This variant is not present in population databases (gnomAD no frequency). This variant has not been reported in the literature in individuals affected with BBS4-related conditions. For these reasons, this variant has been classified as Pathogenic.

Literature cited by the submitters: PubMed 11381270; PubMed 12016587; PubMed 20177705; PubMed 27894351.